The following is an entry in ClinVar:

ClinVar aggregate classification (germline): Pathogenic/Likely pathogenic. Review status: criteria provided, multiple submitters, no conflicts (2 of 4 stars). 16 submissions from 16 submitters: Pathogenic (10); Likely pathogenic (1). 5 of the submissions do not count toward it. Last evaluated 2025-09-24.

Conditions:
INF2-related disorder. Also called: INF2-related condition.
Kidney disorder. Also called: Nephropathy; Kidney disease; Kidney Diseases; renal disease; renal disorder. Identifiers: MedGen C0022658, MONDO:0005240, HP:0000112.
Inborn genetic diseases. Identifiers: MedGen C0950123, MeSH D030342.
Charcot-Marie-Tooth disease dominant intermediate E. Also called: CHARCOT-MARIE-TOOTH NEUROPATHY WITH FOCAL SEGMENTAL GLOMERULONEPHRITIS. Identifiers: Orphanet 93114, MedGen C4302667, MONDO:0013758, OMIM 614455.
Focal segmental glomerulosclerosis 5 (FSGS5). Identifiers: Orphanet 656, MedGen C2750475, MONDO:0013191, OMIM 613237.

Allele frequency attached by ClinVar (database versions not stated): gnomAD exomes below 0.00001.
gnomAD v4.1: 3 of 1,612,364 alleles (0.00019%); highest among the groups gnomAD compares: Non-Finnish European, 0.00025%; no homozygotes.

Submissions 1 to 10 of 16:

PreventionGenetics, part of Exact Sciences
Classification: Pathogenic for INF2-related condition. Last evaluated: 2025-09-24. Review status: criteria provided, single submitter. Criteria: ACMG Guidelines, 2015. Collection method: clinical testing. Allele origin: germline.
Comment: The INF2 c.653G>A variant is predicted to result in the amino acid substitution p.Arg218Gln. This variant has been reported to be pathogenic for autosomal dominant form of focal segmental glomerulosclerosis (FSGS) (see for example, Brown et al. 2010. PubMed ID: 20023659; Subramanian et al. 2016. PubMed ID: 27350175; functional study at Sun et al. 2014. PubMed ID: 26086034). In the Brown et al. study, this variant was found to be de novo in a family and segregated with disease in offspring (10 affected individuals in three generations). In the same study, a different change affecting the same codon (c.652C>T, p.Arg218Trp) was found in another family with FSGS. The c.653G>A (p.Arg218Gln) variant has not been reported in a large population database (gnomAD), indicating this variant is rare. This variant is interpreted as pathogenic.

Labcorp Genetics (formerly Invitae), Labcorp
Classification: Pathogenic for Charcot-Marie-Tooth disease dominant intermediate E; Focal segmental glomerulosclerosis 5. Last evaluated: 2025-05-12. Review status: criteria provided, single submitter. Criteria: Invitae Variant Classification Sherloc (09022015). Collection method: clinical testing. Allele origin: germline.
Comment: This sequence change replaces arginine, which is basic and polar, with glutamine, which is neutral and polar, at codon 218 of the INF2 protein (p.Arg218Gln). This variant is not present in population databases (gnomAD no frequency). This missense change has been observed in individuals with focal segmental glomerulosclerosis (FSGS) (PMID: 20023659, 25165188; internal data). It has also been observed to segregate with disease in related individuals. ClinVar contains an entry for this variant (Variation ID: 1051). Invitae Evidence Modeling of protein sequence and biophysical properties (such as structural, functional, and spatial information, amino acid conservation, physicochemical variation, residue mobility, and thermodynamic stability) has been performed for this missense variant. However, the output from this modeling did not meet the statistical confidence thresholds required to predict the impact of this variant on INF2 protein function. Experimental studies have shown that this missense change affects INF2 function (PMID: 20023659, 26764407). For these reasons, this variant has been classified as Pathogenic.

Blueprint Genetics
Classification: Pathogenic for INF2-related disorders. Last evaluated: 2024-11-21. Review status: criteria provided, single submitter. Criteria: ACMG Guidelines, 2015. Collection method: clinical testing. Allele origin: germline. Affected: yes. Observed: 3 variant alleles.

3billion
Classification: Pathogenic for Focal segmental glomerulosclerosis 5. Last evaluated: 2023-08-28. Review status: criteria provided, single submitter. Criteria: ACMG Guidelines, 2015. Collection method: clinical testing. Allele origin: germline. Affected: yes.
Comment: The variant is not observed in the gnomAD v2.1.1 dataset. Predicted Consequence/Location: Missense changes are a common disease-causing mechanism. Functional studies provide supporting evidence of the variant having a damaging effect on the gene or gene product (PMID: 20023659). In silico tool predictions suggest damaging effect of the variant on gene or gene product [REVEL: 0.76 (>=0.6, sensitivity 0.68 and specificity 0.92); 3Cnet: 0.81 (>=0.6, sensitivity 0.72 and precision 0.9)]. Same nucleotide change resulting in same amino acid change (ClinVar ID: VCV000001051 /PMID: 20023659) and a different missense change at the same codon (p.Arg218Trp / ClinVar ID: VCV000001052 /PMID: 20023659) have been previously reported as pathogenic/likely pathogenic with strong evidence.The variant has been observed in at least two similarly affected unrelated individuals (PMID: 20023659, 30773290). Therefore, this variant is classified as Pathogenic according to the recommendation of ACMG/AMP guideline.

Ambry Genetics
Classification: Likely pathogenic for Inborn genetic diseases. Last evaluated: 2023-08-10. Review status: criteria provided, single submitter. Criteria: Ambry Variant Classification Scheme 2023. Collection method: clinical testing. Allele origin: germline.
Comment: The c.653G>A (p.R218Q) alteration is located in exon 4 (coding exon 3) of the INF2 gene. This alteration results from a G to A substitution at nucleotide position 653, causing the arginine (R) at amino acid position 218 to be replaced by a glutamine (Q). This variant was not reported in population-based cohorts in the Genome Aggregation Database (gnomAD). This alteration was detected in the heterozygous state in multiple individuals with focal segmental glomerulosclerosis and cosegregates with disease in several families (Morales-Alvarez, 2022; Schrezenmeier, 2021; Seo, 2020; Connaughton, 2019; Bezd&iacute;ka, 2018; Safarikova, 2018; Caridi, 2014; Brown, 2010). This amino acid position is highly conserved in available vertebrate species. This missense alteration is located in a region that has a low rate of benign missense variation (Lek, 2016; Firth, 2009). Functional studies collectively show a critical impact of R218Q on the function of INF2 in various model systems and multiple different assays (Sun, 2021; A, 2019). This alteration is predicted to be deleterious by in silico analysis. Based on the available evidence, this alteration is classified as likely pathogenic.

Victorian Clinical Genetics Services, Murdoch Childrens Research Institute
Classification: Pathogenic for Focal segmental glomerulosclerosis 5. Last evaluated: 2023-07-16. Review status: criteria provided, single submitter. Criteria: ACMG Guidelines, 2015. Collection method: clinical testing. Allele origin: germline. Inheritance: Autosomal dominant inheritance. Affected: yes.
Comment: Based on the classification scheme VCGS_Germline_v1.3.4, this variant is classified as Pathogenic. Following criteria are met: 0105 - The mechanism of disease for this gene is not clearly established. However, both loss of function and gain of function have been suggested (PMID: 32451589). (I) 0107 - This gene is associated with autosomal dominant disease. (I) 0112 - The condition associated with this gene has incomplete penetrance (PMID: 32451589). (I) 0115 - Variants in this gene are known to have variable expressivity, with interfamilial and intrafamilial phenotypic variabilities described (PMID: 32451589). (I) 0200 - Variant is predicted to result in a missense amino acid change from arginine to glutamine. (I) 0251 - This variant is heterozygous. (I) 0301 - Variant is absent from gnomAD (both v2 and v3). (SP) 0502 - Missense variant with conflicting in silico predictions and uninformative conservation. (I) 0600 - Variant is located in the annotated diaphanous FH3 domain (DECIPHER). (I) 0703 - Another missense variant comparable to the one identified in this case has moderate previous evidence for pathogenicity. p.(Arg218Trp) has been classified as pathogenic by two clinical laboratories in Clinvar. (SP) 0801 - This variant has strong previous evidence of pathogenicity in unrelated individuals. This variant has been classified as pathogenic by several clinical laboratories in ClinVar and has been observed in several families with focal segmental glomerulosclerosis in the literature (PMIDs: 20023659, 30773290). (SP) 1002 - This variant has moderate functional evidence supporting abnormal protein function. Functional studies have shown that this variant causes protein mislocalization (PMID: 20023659). (SP) 1208 - Inheritance information for this variant is not currently available in this individual. (I) Legend: (SP) - Supporting pathogenic, (I) - Information, (SB) - Supporting benign

Mayo Clinic Laboratories, Mayo Clinic
Classification: Pathogenic. Last evaluated: 2023-06-02. Review status: criteria provided, single submitter. Criteria: ACMG Guidelines, 2015. Collection method: clinical testing. Allele origin: germline. Observed: 1 variant allele.
Comment: PP1_strong, PP3, PM1, PM2_supporting, PS3, PS4_moderate

Genome Diagnostics Laboratory, The Hospital for Sick Children
Classification: Pathogenic for Kidney disorder. Last evaluated: 2022-09-07. Review status: criteria provided, single submitter. Criteria: ACMG Guidelines, 2015. Collection method: clinical testing. Allele origin: germline.

Fulgent Genetics
Classification: Pathogenic for Focal segmental glomerulosclerosis 5; Charcot-Marie-Tooth disease dominant intermediate E. Last evaluated: 2022-04-08. Review status: criteria provided, single submitter. Criteria: ACMG Guidelines, 2015. Collection method: clinical testing. Allele origin: unknown.

Clinical Genetics Service, Universitary Hospital 12 de Octubre
Classification: Pathogenic for Focal segmental glomerulosclerosis 5. Review status: criteria provided, single submitter. Criteria: ACMG Guidelines, 2015. Collection method: clinical testing. Allele origin: germline. Affected: yes.

NM_022489.4(INF2):c.653G>A (p.Arg218Gln)

Gene: INF2 (inverted formin 2; plus strand). Cytogenetic location: 14q32.33.
Variant type: single nucleotide variant.
Coding change: c.653G>A on transcript NM_022489.4 (MANE Select); coding-DNA position 653, G replaced by A.
Protein change: p.Arg218Gln; replaces arginine 218 with glutamine.
Molecular consequence: missense variant.
Genome position (GRCh38, 1-based): chr14:104,703,440, G>A. VCF-style: chr14-104703440-G-A. GRCh37 (hg19) VCF-style: chr14-105169777-G-A.
Other names: c.653G>A, p.Arg218Gln (NM_001031714.4, NM_032714.3); short protein forms R218Q.
Identifiers: ClinVar variation 1051 (VCV000001051.32), dbSNP rs267607183, ClinGen allele CA114723.